The following is an entry in ClinVar:

NM_004260.4(RECQL4):c.3290G>A (p.Ser1097Asn)

Gene: RECQL4 (RecQ like helicase 4; minus strand). Cytogenetic location: 8q24.3.
Variant type: single nucleotide variant.
Coding change: c.3290G>A on transcript NM_004260.4 (MANE Select); coding-DNA position 3290, G replaced by A.
Protein change: p.Ser1097Asn; replaces serine 1097 with asparagine.
Molecular consequence: missense variant.
Genome position (GRCh38, 1-based): chr8:144,512,014, C>T on the plus strand (G>A on the coding strand, the complement: RECQL4 is on the minus strand). VCF-style: chr8-144512014-C-T. GRCh37 (hg19) VCF-style: chr8-145737397-C-T.
Other names: c.3290G>A (NM_004260.3); short protein forms S1097N.
Identifiers: ClinVar variation 1491841 (VCV001491841.4), dbSNP rs1400903506, ClinGen allele CA372668936.

ClinVar aggregate classification (germline): Uncertain significance. Review status: criteria provided, single submitter (1 of 4 stars). 2 submissions from 2 submitters: Uncertain significance (1). 1 of the submissions does not count toward it. Last evaluated 2022-10-16.

Conditions:
RECQL4-related disorder. Also called: RECQL4-related disorders; RECQL4-related condition.
Baller-Gerold syndrome (BGS). Also called: CRANIOSYNOSTOSIS WITH RADIAL DEFECTS. Identifiers: Orphanet 1225, MedGen C0265308, MONDO:0009039, OMIM 218600.

Allele frequency attached by ClinVar (database versions not stated): gnomAD exomes below 0.00001 and 0.00002.
gnomAD v4.1: 4 of 1,609,150 alleles (0.00025%); highest among the groups gnomAD compares: Admixed American, 0.0034%; no homozygotes.

Submissions (2):

Labcorp Genetics (formerly Invitae), Labcorp
Classification: Uncertain significance for Baller-Gerold syndrome. Last evaluated: 2022-10-16. Review status: criteria provided, single submitter. Criteria: Invitae Variant Classification Sherloc (09022015). Collection method: clinical testing. Allele origin: germline.
Comment: This sequence change replaces serine, which is neutral and polar, with asparagine, which is neutral and polar, at codon 1097 of the RECQL4 protein (p.Ser1097Asn). This variant is present in population databases (no rsID available, gnomAD 0.009%). This variant has not been reported in the literature in individuals affected with RECQL4-related conditions. ClinVar contains an entry for this variant (Variation ID: 1491841). Advanced modeling of protein sequence and biophysical properties (such as structural, functional, and spatial information, amino acid conservation, physicochemical variation, residue mobility, and thermodynamic stability) performed at Invitae indicates that this missense variant is not expected to disrupt RECQL4 protein function. In summary, the available evidence is currently insufficient to determine the role of this variant in disease. Therefore, it has been classified as a Variant of Uncertain Significance.

PreventionGenetics, part of Exact Sciences
Classification: Uncertain significance for RECQL4-related condition. Last evaluated: 2024-08-06. Review status: no assertion criteria provided. Collection method: clinical testing. Allele origin: germline. Not counted in ClinVar's aggregate classification.
Comment: The RECQL4 c.3290G>A variant is predicted to result in the amino acid substitution p.Ser1097Asn. To our knowledge, this variant has not been reported in the literature. This variant is reported in 0.0089% of alleles in individuals of Latino descent in gnomAD. At this time, the clinical significance of this variant is uncertain due to the absence of conclusive functional and genetic evidence.